The following is an entry in ClinVar:

NM_000051.4(ATM):c.5715A>G (p.Ser1905=)

Gene: ATM (ATM serine/threonine kinase; plus strand). Cytogenetic location: 11q22.3.
Variant type: single nucleotide variant.
Coding change: c.5715A>G on transcript NM_000051.4 (MANE Select); coding-DNA position 5715, A replaced by G.
Protein change: p.Ser1905=; no amino-acid change (serine 1905 retained).
Molecular consequence: synonymous variant.
Genome position (GRCh38, 1-based): chr11:108,307,937, A>G. VCF-style: chr11-108307937-A-G. GRCh37 (hg19) VCF-style: chr11-108178664-A-G.
Other names: c.5715A>G, p.Ser1905= (NM_001351834.2).
Identifiers: ClinVar variation 392650 (VCV000392650.24), dbSNP rs1057524579, ClinGen allele CA16606100.

ClinVar aggregate classification (germline): Benign/Likely benign. Review status: criteria provided, multiple submitters, no conflicts (2 of 4 stars). 9 submissions from 9 submitters: Benign (1); Likely benign (8). Last evaluated 2025-12-22.

Conditions:
Familial colorectal cancer type X. Identifiers: Orphanet 440437, MedGen C3896578, MONDO:0018604.
Hereditary cancer-predisposing syndrome. Also called: Tumor predisposition; Neoplastic Syndromes, Hereditary; Hereditary Cancer Syndrome; Hereditary neoplastic syndrome. Identifiers: Orphanet 140162, MedGen C0027672, MeSH D009386, MONDO:0015356.
Familial cancer of breast. Also called: BREAST CANCER, FAMILIAL; hereditary breast carcinoma; Hereditary breast cancer. Identifiers: Orphanet 227535, MedGen C0346153, MONDO:0016419, OMIM 114480. Disease mechanism: loss of function.
Ataxia-telangiectasia syndrome (AT). Also called: Ataxia-telangiectasia; Cerebello-oculocutaneous telangiectasia; Immunodeficiency with ataxia telangiectasia; Ataxia-telangiectasia, complementation group D; AT, COMPLEMENTATION GROUP C; ATAXIA-TELANGIECTASIA, COMPLEMENTATION GROUP A. Identifiers: Orphanet 100, MedGen C0004135, MONDO:0008840, OMIM 208900.

Allele frequency attached by ClinVar (database versions not stated): gnomAD exomes below 0.00001.
gnomAD v4.1: 4 of 1,613,966 alleles (0.00025%); highest among the groups gnomAD compares: Non-Finnish European, 0.00034%; no homozygotes.

Submissions (9):

Labcorp Genetics (formerly Invitae), Labcorp
Classification: Likely benign for Ataxia-telangiectasia syndrome. Last evaluated: 2025-12-22. Review status: criteria provided, single submitter. Criteria: Invitae Variant Classification Sherloc (09022015). Collection method: clinical testing. Allele origin: germline.

Myriad Genetics, Inc.
Classification: Benign for Familial cancer of breast. Last evaluated: 2024-05-24. Review status: criteria provided, single submitter. Criteria: Myriad Autosomal Dominant, Autosomal Recessive and X-Linked Classification Criteria (2023). Collection method: clinical testing. Allele origin: unknown.
Comment: This variant is considered benign. This variant is a silent/synonymous amino acid change and it is not expected to impact splicing.

Women's Health and Genetics/Laboratory Corporation of America, LabCorp
Classification: Likely benign. Last evaluated: 2024-01-22. Review status: criteria provided, single submitter. Criteria: LabCorp Variant Classification Summary - May 2015. Collection method: clinical testing. Allele origin: germline.

Sema4
Classification: Likely benign for Hereditary cancer-predisposing syndrome. Last evaluated: 2022-02-24. Review status: criteria provided, single submitter. Criteria: Sema4 Curation Guidelines. Collection method: curation. Allele origin: germline.

Department of Pathology and Laboratory Medicine, Sinai Health System
Classification: Likely benign for Familial colorectal cancer type X. Last evaluated: 2021-05-03. Review status: criteria provided, single submitter. Criteria: ACMG Guidelines, 2015. Collection method: clinical testing. Allele origin: germline. Affected: yes.

Mendelics
Classification: Likely benign for Ataxia-telangiectasia syndrome. Last evaluated: 2019-05-28. Review status: criteria provided, single submitter. Criteria: Mendelics Assertion Criteria 2017. Collection method: clinical testing. Allele origin: unknown.

Color Diagnostics, LLC DBA Color Health
Classification: Likely benign for Hereditary cancer-predisposing syndrome. Last evaluated: 2018-05-10. Review status: criteria provided, single submitter. Criteria: ACMG Guidelines, 2015. Collection method: clinical testing. Allele origin: germline.

GeneDx
Classification: Likely benign. Last evaluated: 2017-01-02. Review status: criteria provided, single submitter. Criteria: GeneDx Variant Classification (06012015). Collection method: clinical testing. Allele origin: germline. Affected: yes.
Comment: This variant is considered likely benign or benign based on one or more of the following criteria: it is a conservative change, it occurs at a poorly conserved position in the protein, it is predicted to be benign by multiple in silico algorithms, and/or has population frequency not consistent with disease.

Ambry Genetics
Classification: Likely benign for Hereditary cancer-predisposing syndrome. Last evaluated: 2016-08-16. Review status: criteria provided, single submitter. Criteria: Ambry Variant Classification Scheme 2023. Collection method: clinical testing. Allele origin: germline.